The following is an entry in ClinVar:

NM_001111125.3(IQSEC2):c.3886C>T (p.Gln1296Ter)

Gene: IQSEC2 (IQ motif and Sec7 domain ArfGEF 2; minus strand). Cytogenetic location: Xp11.22.
Variant type: single nucleotide variant.
Coding change: c.3886C>T on transcript NM_001111125.3 (MANE Select); coding-DNA position 3886, C replaced by T.
Protein change: p.Gln1296Ter; replaces glutamine 1296 with a stop codon.
Molecular consequence: nonsense. On other transcripts: 3 prime UTR variant (1).
Genome position (GRCh38, 1-based): chrX:53,234,800, G>A on the plus strand (C>T on the coding strand, the complement: IQSEC2 is on the minus strand). VCF-style: chrX-53234800-G-A. GRCh37 (hg19) VCF-style: chrX-53263982-G-A.
Other names: c.*371C>T (NM_015075.2); short protein forms Q1296*.
Identifiers: ClinVar variation 421942 (VCV000421942.2), dbSNP rs1064795460, ClinGen allele CA16621439.
Genomic context (GRCh38, chrX:53,234,800, plus strand): 5'-CAGGTGGGGCTGAGGCGGGAGGCGGTGGAATGGAGCCCAGCTGGGGCAAGGGTGGGGGCT[G>A]CTGGGGAGGTGGGGGAAGAGAGGGCTGCTGGGGTGGGAGGTAGGGTGGCGGGGCAGGGCC-3'

ClinVar aggregate classification (germline): Likely pathogenic (1 of 4 stars; one submission).

Submission:

GeneDx
Classification: Likely pathogenic. Last evaluated: 2016-08-08. Review status: criteria provided, single submitter. Criteria: GeneDx Variant Classification (06012015). Collection method: clinical testing. Allele origin: germline. Affected: yes.
Comment: The Q1296X likely pathogenic variant in the IQSEC2 gene has not been reported previously as a pathogenic variant nor as a benign variant, to our knowledge. This variant is predicted to cause loss of normal protein function through protein truncation, as the last 193 amino acid residues are lost. The Q1296X variant was not observed in the Exome Aggregation Consortium (ExAC) data set, indicating it is not a common benign variant. We interpret Q1296X as a likely pathogenic variant.